The following is an entry in ClinVar:

NM_018943.3(TUBA8):c.1293T>G (p.Asp431Glu)

Gene: TUBA8 (tubulin alpha 8; plus strand). Cytogenetic location: 22q11.21.
Variant type: single nucleotide variant.
Coding change: c.1293T>G on transcript NM_018943.3 (MANE Select); coding-DNA position 1293, T replaced by G.
Protein change: p.Asp431Glu; replaces aspartic acid 431 with glutamic acid.
Molecular consequence: missense variant.
Genome position (GRCh38, 1-based): chr22:18,131,079, T>G. VCF-style: chr22-18131079-T-G. GRCh37 (hg19) VCF-style: chr22-18613846-T-G.
Other names: c.1095T>G, p.Asp365Glu (NM_001193414.2); short protein forms D365E, D431E.
Identifiers: ClinVar variation 3612938 (VCV003612938.2).
Genomic context (GRCh38, chr22:18,131,079, plus strand): 5'-GGGGATGGAAGAAGGAGAATTTTCTGAGGCCAGGGAAGACTTAGCTGCCCTGGAGAAGGA[T>G]TATGAAGAAGTGGGGACTGATTCGTTTGAAGAAGAAAATGAAGGGGAGGAATTTTAAATA-3'
Protein context (NP_061816.1, residues 421-441): AREDLAALEK[Asp431Glu]YEEVGTDSFE

ClinVar aggregate classification (germline): Uncertain significance (1 of 4 stars; one submission).

Submission:

Labcorp Genetics (formerly Invitae), Labcorp
Classification: Uncertain significance. Last evaluated: 2024-04-24. Review status: criteria provided, single submitter. Criteria: Invitae Variant Classification Sherloc (09022015). Collection method: clinical testing. Allele origin: germline.
Comment: This sequence change replaces aspartic acid, which is acidic and polar, with glutamic acid, which is acidic and polar, at codon 431 of the TUBA8 protein (p.Asp431Glu). This variant is present in population databases (rs200410270, gnomAD 0.03%). This variant has not been reported in the literature in individuals affected with TUBA8-related conditions. Advanced modeling of protein sequence and biophysical properties (such as structural, functional, and spatial information, amino acid conservation, physicochemical variation, residue mobility, and thermodynamic stability) performed at Invitae indicates that this missense variant is not expected to disrupt TUBA8 protein function with a negative predictive value of 80%. In summary, the available evidence is currently insufficient to determine the role of this variant in disease. Therefore, it has been classified as a Variant of Uncertain Significance.